The following is an entry in ClinVar:

ClinVar aggregate classification (germline): Uncertain significance. Review status: criteria provided, multiple submitters, no conflicts (2 of 4 stars). 2 submissions from 2 submitters: Uncertain significance (2). Last evaluated 2026-08-28.

Conditions:
Familial cancer of breast. Also called: Hereditary breast cancer; hereditary breast carcinoma; BREAST CANCER, FAMILIAL. Identifiers: Orphanet 227535, MedGen C0346153, MONDO:0016419, OMIM 114480. Disease mechanism: loss of function.
Hereditary cancer-predisposing syndrome. Also called: Hereditary Cancer Syndrome; Hereditary neoplastic syndrome; Neoplastic Syndromes, Hereditary; Tumor predisposition. Identifiers: Orphanet 140162, MedGen C0027672, MeSH D009386, MONDO:0015356.

Submissions (2):

Ambry Genetics
Classification: Uncertain significance for Hereditary cancer-predisposing syndrome. Last evaluated: 2026-08-28. Review status: criteria provided, single submitter. Criteria: Ambry Variant Classification Scheme 2023. Collection method: clinical testing. Allele origin: germline.
Comment: The p.D42G variant (also known as c.125A>G), located in coding exon 1 of the BARD1 gene, results from an A to G substitution at nucleotide position 125. The aspartic acid at codon 42 is replaced by glycine, an amino acid with similar properties. This amino acid position is conserved. In addition, this alteration is predicted to be tolerated by in silico analysis. Based on the available evidence, the clinical significance of this variant remains unclear.

Labcorp Genetics (formerly Invitae), Labcorp
Classification: Uncertain significance for Familial cancer of breast. Last evaluated: 2023-01-06. Review status: criteria provided, single submitter. Criteria: Invitae Variant Classification Sherloc (09022015). Collection method: clinical testing. Allele origin: germline.
Comment: In summary, the available evidence is currently insufficient to determine the role of this variant in disease. Therefore, it has been classified as a Variant of Uncertain Significance. Algorithms developed to predict the effect of missense changes on protein structure and function (SIFT, PolyPhen-2, Align-GVGD) all suggest that this variant is likely to be tolerated. This variant has not been reported in the literature in individuals affected with BARD1-related conditions. This variant is not present in population databases (gnomAD no frequency). This sequence change replaces aspartic acid, which is acidic and polar, with glycine, which is neutral and non-polar, at codon 42 of the BARD1 protein (p.Asp42Gly).

NM_000465.4(BARD1):c.125A>G (p.Asp42Gly)

Gene: BARD1 (BRCA1 associated RING domain 1; minus strand). Cytogenetic location: 2q35.
Variant type: single nucleotide variant.
Coding change: c.125A>G on transcript NM_000465.4 (MANE Select); coding-DNA position 125, A replaced by G.
Protein change: p.Asp42Gly; replaces aspartic acid 42 with glycine.
Molecular consequence: missense variant. On other transcripts: non-coding transcript variant (3).
Genome position (GRCh38, 1-based): chr2:214,809,445, T>C on the plus strand (A>G on the coding strand, the complement: BARD1 is on the minus strand). VCF-style: chr2-214809445-T-C. GRCh37 (hg19) VCF-style: chr2-215674169-T-C.
Other names: c.125A>G (NM_000465.2); c.125A>G, p.Asp42Gly (NM_001282543.2, NM_001282545.2, NM_001282548.2 and 1 more transcripts); short protein forms D42G.
Identifiers: ClinVar variation 2896576 (VCV002896576.4), dbSNP rs2106170971, ClinGen allele CA350464924.